The following is an entry in ClinVar:

NM_001134363.3(RBM20):c.554A>G (p.Asn185Ser)

Gene: RBM20 (RNA binding motif protein 20; plus strand). Cytogenetic location: 10q25.2.
Variant type: single nucleotide variant.
Coding change: c.554A>G on transcript NM_001134363.3 (MANE Select); coding-DNA position 554, A replaced by G.
Protein change: p.Asn185Ser; replaces asparagine 185 with serine.
Molecular consequence: missense variant.
Genome position (GRCh38, 1-based): chr10:110,781,163, A>G. VCF-style: chr10-110781163-A-G. GRCh37 (hg19) VCF-style: chr10-112540921-A-G.
Other names: short protein forms N185S.
Identifiers: ClinVar variation 4772118 (VCV004772118.1).

ClinVar aggregate classification (germline): Uncertain significance (1 of 4 stars; one submission).

Conditions:
Dilated cardiomyopathy 1DD (CMD1DD). Identifiers: Orphanet 154, MedGen C2750995, MONDO:0013168, OMIM 613172.

Submission:

Labcorp Genetics (formerly Invitae), Labcorp
Classification: Uncertain significance for Dilated cardiomyopathy 1DD. Last evaluated: 2025-11-24. Review status: criteria provided, single submitter. Criteria: Invitae Variant Classification Sherloc (09022015). Collection method: clinical testing. Allele origin: germline.
Comment: This sequence change replaces asparagine, which is neutral and polar, with serine, which is neutral and polar, at codon 185 of the RBM20 protein (p.Asn185Ser). This variant is not present in population databases (gnomAD no frequency). This variant has not been reported in the literature in individuals affected with RBM20-related conditions. Invitae Evidence Modeling of protein sequence and biophysical properties (such as structural, functional, and spatial information, amino acid conservation, physicochemical variation, residue mobility, and thermodynamic stability) indicates that this missense variant is not expected to disrupt RBM20 protein function with a negative predictive value of 95%. In summary, the available evidence is currently insufficient to determine the role of this variant in disease. Therefore, it has been classified as a Variant of Uncertain Significance.